The following is an entry in ClinVar:

NM_001710.6(CFB):c.728A>G (p.Glu243Gly)

Gene: CFB (complement factor B; plus strand). Cytogenetic location: 6p21.33.
Variant type: single nucleotide variant.
Coding change: c.728A>G on transcript NM_001710.6 (MANE Select); coding-DNA position 728, A replaced by G.
Protein change: p.Glu243Gly; replaces glutamic acid 243 with glycine.
Molecular consequence: missense variant.
Genome position (GRCh38, 1-based): chr6:31,947,811, A>G. VCF-style: chr6-31947811-A-G. GRCh37 (hg19) VCF-style: chr6-31915588-A-G.
Other names: short protein forms E243G.
Identifiers: ClinVar variation 1467402 (VCV001467402.5), dbSNP rs758028930, ClinGen allele CA363394988.

ClinVar aggregate classification (germline): Uncertain significance (1 of 4 stars; one submission).

gnomAD v4.1: 1 of 1,613,722 alleles (0.000062%); highest among the groups gnomAD compares: Non-Finnish European, 0.000085%; no homozygotes.

Submission:

Labcorp Genetics (formerly Invitae), Labcorp
Classification: Uncertain significance. Last evaluated: 2021-02-23. Review status: criteria provided, single submitter. Criteria: Invitae Variant Classification Sherloc (09022015). Collection method: clinical testing. Allele origin: germline.
Comment: This variant is not present in population databases (ExAC no frequency). This sequence change replaces glutamic acid with glycine at codon 243 of the CFB protein (p.Glu243Gly). The glutamic acid residue is moderately conserved and there is a moderate physicochemical difference between glutamic acid and glycine. This variant has not been reported in the literature in individuals with CFB-related conditions. Algorithms developed to predict the effect of missense changes on protein structure and function are either unavailable or do not agree on the potential impact of this missense change (SIFT: "Deleterious"; PolyPhen-2: "Benign"; Align-GVGD: "Class C0"). In summary, the available evidence is currently insufficient to determine the role of this variant in disease. Therefore, it has been classified as a Variant of Uncertain Significance.